The following is an entry in ClinVar:

NM_001378183.1(PIEZO2):c.1498A>C (p.Ser500Arg)

Gene: PIEZO2 (piezo type mechanosensitive ion channel component 2; minus strand). Cytogenetic location: 18p11.22.
Variant type: single nucleotide variant.
Coding change: c.1498A>C on transcript NM_001378183.1 (MANE Select); coding-DNA position 1498, A replaced by C.
Protein change: p.Ser500Arg; replaces serine 500 with arginine.
Molecular consequence: missense variant.
Genome position (GRCh38, 1-based): chr18:10,797,403, T>G on the plus strand (A>C on the coding strand, the complement: PIEZO2 is on the minus strand). VCF-style: chr18-10797403-T-G. GRCh37 (hg19) VCF-style: chr18-10797401-T-G.
Other names: c.1498A>C, p.Ser500Arg (NM_001410871.1, NM_022068.4); short protein forms S500R.
Identifiers: ClinVar variation 4685181 (VCV004685181.1).
Genomic context (GRCh38, chr18:10,797,403, plus strand): 5'-CATATTATACCTATCATCATATCATACATACCATCATAGCTATGAGGGCACAGATGTAAC[T>G]TTGTTTCATAATAAATTGGAATACGGAGACCATGGCATGAACTTTGATACTTCTTTTTTC-3'
Protein context (NP_001365112.1, residues 490-510): VSVFQFIMKQ[Ser500Arg]YICALIAMMA

ClinVar aggregate classification (germline): Uncertain significance (1 of 4 stars; one submission).

Submission:

GeneDx
Classification: Uncertain significance. Last evaluated: 2025-06-29. Review status: criteria provided, single submitter. Criteria: GeneDx Variant Classification Process June 2021. Collection method: clinical testing. Allele origin: germline. Affected: yes.
Comment: Not observed at significant frequency in large population cohorts (gnomAD); In silico analysis supports that this missense variant has a deleterious effect on protein structure/function; Has not been previously published as pathogenic or benign to our knowledge